The following is an entry in ClinVar:

NM_000936.4(PNLIP):c.479C>A (p.Pro160His)

Gene: PNLIP (pancreatic lipase; plus strand). Cytogenetic location: 10q25.3.
Variant type: single nucleotide variant.
Coding change: c.479C>A on transcript NM_000936.4 (MANE Select); coding-DNA position 479, C replaced by A.
Protein change: p.Pro160His; replaces proline 160 with histidine.
Molecular consequence: missense variant.
Genome position (GRCh38, 1-based): chr10:116,553,746, C>A. VCF-style: chr10-116553746-C-A. GRCh37 (hg19) VCF-style: chr10-118313258-C-A.
Other names: short protein forms P160H.
Identifiers: ClinVar variation 2054797 (VCV002054797.4), dbSNP rs1057223514, ClinGen allele CA214643409.

ClinVar aggregate classification (germline): Uncertain significance (1 of 4 stars; one submission).

Allele frequency attached by ClinVar (database versions not stated): gnomAD exomes 0.00001; TOPMed 0.00002.
gnomAD v4.1: 7 of 1,612,342 alleles (0.00043%); highest among the groups gnomAD compares: Admixed American, 0.0017%; no homozygotes.

Submission:

Labcorp Genetics (formerly Invitae), Labcorp
Classification: Uncertain significance. Last evaluated: 2022-04-20. Review status: criteria provided, single submitter. Criteria: Invitae Variant Classification Sherloc (09022015). Collection method: clinical testing. Allele origin: germline.
Comment: In summary, the available evidence is currently insufficient to determine the role of this variant in disease. Therefore, it has been classified as a Variant of Uncertain Significance. Algorithms developed to predict the effect of missense changes on protein structure and function are either unavailable or do not agree on the potential impact of this missense change (SIFT: "Not Available"; PolyPhen-2: "Probably Damaging"; Align-GVGD: "Not Available"). This variant has not been reported in the literature in individuals affected with PNLIP-related conditions. This variant is present in population databases (no rsID available, gnomAD 0.002%). This sequence change replaces proline, which is neutral and non-polar, with histidine, which is basic and polar, at codon 160 of the PNLIP protein (p.Pro160His).